The following is an entry in ClinVar:

ClinVar aggregate classification (germline): Pathogenic. Review status: reviewed by expert panel (3 of 4 stars). 5 submissions from 5 submitters: Pathogenic (1). 4 of the submissions do not count toward it. Last evaluated 2016-04-22.

Conditions:
Hereditary cancer-predisposing syndrome. Also called: Neoplastic Syndromes, Hereditary; Tumor predisposition; Hereditary Cancer Syndrome; Hereditary neoplastic syndrome. Identifiers: Orphanet 140162, MedGen C0027672, MeSH D009386, MONDO:0015356.
Hereditary breast ovarian cancer syndrome. Also called: Hereditary breast and ovarian cancer syndrome; Hereditary breast and ovarian cancer; Hereditary breast and ovarian cancer syndrome (HBOC); Breast and ovarian cancer; Hereditary breast and/or ovarian cancer syndrome; BRCA1- and BRCA2-Associated Hereditary Breast and Ovarian Cancer. Identifiers: Orphanet 145, MedGen C0677776, MeSH D061325, MONDO:0003582. Disease mechanism: loss of function.
Breast-ovarian cancer, familial, susceptibility to, 2 (BROVCA2). Also called: BRCA2 Hereditary Breast and Ovarian Cancer. Identifiers: Orphanet 145, MedGen C2675520, MONDO:0012933, OMIM 612555. Disease mechanism: loss of function.

Submissions (5):

Evidence-based Network for the Interpretation of Germline Mutant Alleles (ENIGMA)
Classification: Pathogenic for Breast-ovarian cancer, familial, susceptibility to, 2. Last evaluated: 2016-04-22. Review status: reviewed by expert panel. Criteria: ENIGMA BRCA1/2 Classification Criteria (2015). Collection method: curation. Allele origin: germline.
Comment: Variant allele predicted to encode a truncated non-functional protein.

All of Us Research Program, National Institutes of Health
Classification: Pathogenic for Breast-ovarian cancer, familial, susceptibility to, 2. Last evaluated: 2023-12-13. Review status: criteria provided, single submitter. Criteria: ACMG Guidelines, 2015. Collection method: clinical testing. Allele origin: germline. Inheritance: Autosomal dominant inheritance. Observed: 1 variant allele, 1 heterozygote. Not counted in ClinVar's aggregate classification.
Comment: This variant inserts 1 nucleotide in exon 10 of the BRCA2 gene, creating a frameshift and premature translation stop signal. This variant is expected to result in an absent or non-functional protein product. This variant has been identified in 1 family among the CIMBA participants (PMID: 29446198). This variant has not been identified in the general population by the Genome Aggregation Database (gnomAD). Loss of BRCA2 function is a known mechanism of disease. Based on the available evidence, this variant is classified as Pathogenic.

This study involves interpretation of variants in research participants for the purpose of population health screening. Participant phenotype was not available at the time of variant classification. Additional details can be found in publication PMID: 35346344, PMCID: PMC8962531

Labcorp Genetics (formerly Invitae), Labcorp
Classification: Pathogenic for Hereditary breast ovarian cancer syndrome. Last evaluated: 2023-09-12. Review status: criteria provided, single submitter. Criteria: Invitae Variant Classification Sherloc (09022015). Collection method: clinical testing. Allele origin: germline. Not counted in ClinVar's aggregate classification.
Comment: This sequence change creates a premature translational stop signal (p.Leu366Phefs*12) in the BRCA2 gene. It is expected to result in an absent or disrupted protein product. Loss-of-function variants in BRCA2 are known to be pathogenic (PMID: 20104584). This variant is not present in population databases (gnomAD no frequency). This premature translational stop signal has been observed in individual(s) with clinical features of BRCA2-related conditions (PMID: 21520333). This variant is also known as 1325_1326dupT. ClinVar contains an entry for this variant (Variation ID: 51062). For these reasons, this variant has been classified as Pathogenic.

Ambry Genetics
Classification: Pathogenic for Hereditary cancer-predisposing syndrome. Last evaluated: 2019-08-26. Review status: criteria provided, single submitter. Criteria: Ambry Variant Classification Scheme 2023. Collection method: clinical testing. Allele origin: germline. Not counted in ClinVar's aggregate classification.
Comment: The c.1097dupT pathogenic mutation, located in coding exon 9 of the BRCA2 gene, results from a duplication of T at nucleotide position 1097, causing a translational frameshift with a predicted alternate stop codon (p.L366Ffs*12). This alteration is expected to result in loss of function by premature protein truncation or nonsense-mediated mRNA decay. As such, this alteration is interpreted as a disease-causing mutation.

Consortium of Investigators of Modifiers of BRCA1/2 (CIMBA), c/o University of Cambridge
Classification: Pathogenic for Breast-ovarian cancer, familial, susceptibility to, 2. Last evaluated: 2015-10-02. Review status: criteria provided, single submitter. Criteria: CIMBA Mutation Classification guidelines May 2016. Collection method: clinical testing. Allele origin: germline. Not counted in ClinVar's aggregate classification.

Literature cited by the submitters: PubMed 29446198 (cited by All of Us Research Program, National Institutes of Health); PubMed 20104584 (cited by Labcorp Genetics (formerly Invitae), Labcorp); PubMed 21520333 (cited by Labcorp Genetics (formerly Invitae), Labcorp).

NM_000059.4(BRCA2):c.1097dup (p.Leu366fs)

Gene: BRCA2 (BRCA2 DNA repair associated; plus strand). Cytogenetic location: 13q13.1.
Variant type: Duplication.
Coding change: c.1097dup on transcript NM_000059.4 (MANE Select); coding-DNA position 1097, one base duplicated (T; older notation c.1097dupT).
Protein change: p.Leu366fs; shifts the reading frame from leucine 366.
Molecular consequence: frameshift variant.
Genome position (GRCh38, 1-based): chr13:32,332,575, T duplicated; the last of 2 consecutive T bases (chr13:32,332,574-32,332,575); duplicating either gives the same sequence. VCF-style (leftmost placement, unchanged base first): chr13-32332573-A-AT. GRCh37 (hg19) VCF-style: chr13-32906710-A-AT.
Other names: 1325_1326dupT; c.1097dupT (NM_000059.3); short protein forms L366fs.
Identifiers: ClinVar variation 51062 (VCV000051062.19), dbSNP rs397507570, ClinGen allele CA010801.
Genomic context (GRCh38, chr13:32,332,573, plus strand): 5'-AAACCAAGTGAAAGAAAAATACTCATTTGTATCTGAAGTGGAACCAAATGATACTGATCC[A>AT]TTAGATTCAAATGTAGCAAATCAGAAGCCCTTTGAGAGTGGAAGTGACAAAATCTCCAAG-3'